The following is an entry in ClinVar:

ClinVar aggregate classification (germline): Uncertain significance (1 of 4 stars; one submission).

Conditions:
Gastrointestinal stromal tumor. Also called: Gastrointestinal stroma tumor; Gastrointestinal stromal tumor, somatic. Identifiers: Orphanet 44890, MedGen C0238198, MeSH D046152, MONDO:0011719, OMIM 606764, HP:0100723.

Submission:

Labcorp Genetics (formerly Invitae), Labcorp
Classification: Uncertain significance for Gastrointestinal stromal tumor. Last evaluated: 2022-05-09. Review status: criteria provided, single submitter. Criteria: Invitae Variant Classification Sherloc (09022015). Collection method: clinical testing. Allele origin: germline.
Comment: This sequence change replaces serine, which is neutral and polar, with alanine, which is neutral and non-polar, at codon 29 of the PDGFRA protein (p.Ser29Ala). In summary, the available evidence is currently insufficient to determine the role of this variant in disease. Therefore, it has been classified as a Variant of Uncertain Significance. Algorithms developed to predict the effect of missense changes on protein structure and function output the following: SIFT: "Tolerated"; PolyPhen-2: "Benign"; Align-GVGD: "Class C0". The alanine amino acid residue is found in multiple mammalian species, which suggests that this missense change does not adversely affect protein function. This variant has not been reported in the literature in individuals affected with PDGFRA-related conditions. This variant is not present in population databases (gnomAD no frequency).

NM_006206.6(PDGFRA):c.85T>G (p.Ser29Ala)

Gene: PDGFRA (platelet derived growth factor receptor alpha; plus strand). Cytogenetic location: 4q12.
Variant type: single nucleotide variant.
Coding change: c.85T>G on transcript NM_006206.6 (MANE Select); coding-DNA position 85, T replaced by G.
Protein change: p.Ser29Ala; replaces serine 29 with alanine.
Molecular consequence: missense variant.
Genome position (GRCh38, 1-based): chr4:54,261,130, T>G. VCF-style: chr4-54261130-T-G. GRCh37 (hg19) VCF-style: chr4-55127297-T-G.
Other names: c.85T>G, p.Ser29Ala (NM_001347827.2, NM_001347829.2); c.160T>G, p.Ser54Ala (NM_001347828.2); c.124T>G, p.Ser42Ala (NM_001347830.2); short protein forms S54A, S29A, S42A.
Identifiers: ClinVar variation 2178362 (VCV002178362.4), dbSNP rs746846673, ClinGen allele CA356888215.